The following is an entry in ClinVar:

ClinVar aggregate classification (germline): Likely pathogenic (1 of 4 stars; one submission).

Conditions:
Dilated cardiomyopathy 1O (CMD1O). Also called: CARDIOMYOPATHY, DILATED, WITH VENTRICULAR TACHYCARDIA. Identifiers: Orphanet 154, MedGen C1837839, MONDO:0012062, OMIM 608569.

Submission:

Labcorp Genetics (formerly Invitae), Labcorp
Classification: Likely pathogenic for Dilated cardiomyopathy 1O. Last evaluated: 2025-09-24. Review status: criteria provided, single submitter. Criteria: Invitae Variant Classification Sherloc (09022015). Collection method: clinical testing. Allele origin: germline.
Comment: This sequence change affects an acceptor splice site in intron 2 of the ABCC9 gene. It is expected to disrupt RNA splicing. Variants that disrupt the donor or acceptor splice site typically lead to a loss of protein function (PMID: 16199547), and loss-of-function variants in ABCC9 are known to be pathogenic (PMID: 31575858, 38217872). This variant is not present in population databases (gnomAD no frequency). This variant has not been reported in the literature in individuals affected with ABCC9-related conditions. Algorithms developed to predict the effect of sequence changes on RNA splicing suggest that this variant may disrupt the consensus splice site. In summary, the currently available evidence indicates that the variant is pathogenic, but additional data are needed to prove that conclusively. Therefore, this variant has been classified as Likely Pathogenic.

Literature cited by the submitters: PubMed 16199547; PubMed 31575858; PubMed 38217872.

NM_020297.4(ABCC9):c.285-1G>C

Gene: ABCC9 (ATP binding cassette subfamily C member 9; minus strand). Cytogenetic location: 12p12.1.
Variant type: single nucleotide variant.
Coding change: c.285-1G>C on transcript NM_020297.4 (MANE Select); the canonical splice acceptor site of the intron before coding-DNA position 285, G replaced by C.
Molecular consequence: splice acceptor variant.
Genome position (GRCh38, 1-based): chr12:21,926,064, C>G on the plus strand (G>C on the coding strand, the complement: ABCC9 is on the minus strand). VCF-style: chr12-21926064-C-G. GRCh37 (hg19) VCF-style: chr12-22078998-C-G.
Other names: c.-170-1G>C (NM_001377274.1); c.285-1G>C (NM_005691.4, NM_001377273.1).
Identifiers: ClinVar variation 4811602 (VCV004811602.1).
Genomic context (GRCh38, chr12:21,926,064, plus strand): 5'-GTGGCAACGAATCCCATCACGGCTGGCATAAAGAGGTGGAGGTGCCTTGATTCCCGCCGC[C>G]TAGAAAGAGCAGTACGTCAACGCCTAAAGCTGATGGTTCCAGATAATTTCTTATTTTTTT-3'